The following is an entry in ClinVar:

NM_001267550.2(TTN):c.102451G>C (p.Gly34151Arg)

Genes: TTN-AS1 (TTN antisense RNA 1; plus strand), TTN (titin; minus strand). Cytogenetic location: 2q31.2.
Variant type: single nucleotide variant.
Coding change: c.102451G>C on transcript NM_001267550.2 (MANE Select); coding-DNA position 102451, G replaced by C.
Protein change: p.Gly34151Arg; replaces glycine 34151 with arginine.
Molecular consequence: missense variant.
Genome position (GRCh38, 1-based): chr2:178,534,164, C>G on the plus strand (G>C on the coding strand, the complement: TTN is on the minus strand). VCF-style: chr2-178534164-C-G. GRCh37 (hg19) VCF-style: chr2-179398891-C-G.
Other names: c.97528G>C, p.Gly32510Arg (NM_001256850.1); c.75256G>C, p.Gly25086Arg (NM_003319.4); c.94747G>C, p.Gly31583Arg (NM_133378.4); c.75631G>C, p.Gly25211Arg (NM_133432.3); c.75832G>C, p.Gly25278Arg (NM_133437.4); c.102451G>C (NM_001267550.1); short protein forms G34151R, G25211R, G31583R, G32510R, G25278R, G25086R.
Identifiers: ClinVar variation 405005 (VCV000405005.11), dbSNP rs191522469, ClinGen allele CA1985749.
Genomic context (GRCh38, chr2:178,534,164, plus strand): 5'-ACCAAGTCACTTGGGTAGACTGATCATAATTTTCAATTTTGCATACATATTTGACATGTC[C>G]TCCTTCTTCACCAACTGCATGCATTATCTGCCCAGAAACTGGGCCAATTTCAATGGATGC-3'
Protein context (NP_001254479.2, residues 34141-34161): QIMHAVGEEG[Gly34151Arg]HVKYVCKIEN

ClinVar aggregate classification (germline): Uncertain significance. Review status: criteria provided, multiple submitters, no conflicts (2 of 4 stars). 5 submissions from 5 submitters: Uncertain significance (5). Last evaluated 2024-07-23.

Conditions:
Dilated cardiomyopathy 1G (CMD1G). Identifiers: Orphanet 154, MedGen C1858763, MONDO:0011400, OMIM 604145.
Autosomal recessive limb-girdle muscular dystrophy type 2J (LGMDR10). Also called: Limb-girdle muscular dystrophy, type 2J; MUSCULAR DYSTROPHY, LIMB-GIRDLE, AUTOSOMAL RECESSIVE 10. Identifiers: Orphanet 140922, MedGen C1837342, MONDO:0012127, OMIM 608807.
Cardiovascular phenotype. Identifiers: MedGen CN230736.
Cardiomyopathy (CMYO). Also called: Cardiomyopathies. Identifiers: Orphanet 167848, MedGen C0878544, MONDO:0004994, HP:0001638. Inheritance: Various modes of inheritance.

Allele frequency attached by ClinVar (database versions not stated): ExAC 0.00001; gnomAD exomes 0.00001 and 0.00006; TOPMed 0.00004; gnomAD 0.00005; 1000 Genomes Project 0.00020; 1000 Genomes Project 30x 0.00031.

Submissions (5):

GeneDx
Classification: Uncertain significance. Last evaluated: 2024-07-23. Review status: criteria provided, single submitter. Criteria: GeneDx Variant Classification Process June 2021. Collection method: clinical testing. Allele origin: germline. Affected: yes.
Comment: Not observed at significant frequency in large population cohorts (gnomAD); Missense variant in a gene in which most reported pathogenic variants are truncating/loss of function; Has not been previously published as pathogenic or benign to our knowledge

Ambry Genetics
Classification: Uncertain significance for Cardiovascular phenotype. Last evaluated: 2019-09-13. Review status: criteria provided, single submitter. Criteria: Ambry Variant Classification Scheme 2023. Collection method: clinical testing. Allele origin: germline.
Comment: The p.G25086R variant (also known as c.75256G>C), located in coding exon 185 of the TTN gene, results from a G to C substitution at nucleotide position 75256. The glycine at codon 25086 is replaced by arginine, an amino acid with dissimilar properties. This amino acid position is well conserved in available vertebrate species. In addition, this alteration is predicted to be tolerated by in silico analysis. Since supporting evidence is limited at this time, the clinical significance of this alteration remains unclear.

Revvity Omics, Revvity
Classification: Uncertain significance. Last evaluated: 2019-01-23. Review status: criteria provided, single submitter. Criteria: ACMG Guidelines, 2015. Collection method: clinical testing. Allele origin: germline.

CHEO Genetics Diagnostic Laboratory, Children's Hospital of Eastern Ontario
Classification: Uncertain significance for Cardiomyopathy. Last evaluated: 2018-03-08. Review status: criteria provided, single submitter. Criteria: ACMG Guidelines, 2015. Collection method: clinical testing. Allele origin: germline.

Labcorp Genetics (formerly Invitae), Labcorp
Classification: Uncertain significance for Dilated cardiomyopathy 1G; Autosomal recessive limb-girdle muscular dystrophy type 2J. Last evaluated: 2016-10-21. Review status: criteria provided, single submitter. Criteria: Invitae Variant Classification Sherloc (09022015). Collection method: clinical testing. Allele origin: germline.